The following is an entry in ClinVar:

NM_020937.4(FANCM):c.2905A>G (p.Ile969Val)

Gene: FANCM (FA complementation group M; plus strand). Cytogenetic location: 14q21.2.
Variant type: single nucleotide variant.
Coding change: c.2905A>G on transcript NM_020937.4 (MANE Select); coding-DNA position 2905, A replaced by G.
Protein change: p.Ile969Val; replaces isoleucine 969 with valine.
Molecular consequence: missense variant.
Genome position (GRCh38, 1-based): chr14:45,175,659, A>G. VCF-style: chr14-45175659-A-G. GRCh37 (hg19) VCF-style: chr14-45644862-A-G.
Other names: c.2827A>G, p.Ile943Val (NM_001308133.2); short protein forms I943V, I969V.
Identifiers: ClinVar variation 3092836 (VCV003092836.2), dbSNP rs2503185025, ClinGen allele CA389599438.

ClinVar aggregate classification (germline): Uncertain significance (1 of 4 stars; one submission).

Conditions:
Inborn genetic diseases. Identifiers: MedGen C0950123, MeSH D030342.

Allele frequency attached by ClinVar (database versions not stated): gnomAD exomes below 0.00001.
gnomAD v4.1: 2 of 1,613,222 alleles (0.00012%); highest among the groups gnomAD compares: South Asian, 0.0011%; no homozygotes.

Submission:

Ambry Genetics
Classification: Uncertain significance for Inborn genetic diseases. Last evaluated: 2025-01-06. Review status: criteria provided, single submitter. Criteria: Ambry Variant Classification Scheme 2023. Collection method: clinical testing. Allele origin: germline.
Comment: The p.I969V variant (also known as c.2905A>G), located in coding exon 14 of the FANCM gene, results from an A to G substitution at nucleotide position 2905. The isoleucine at codon 969 is replaced by valine, an amino acid with highly similar properties. This amino acid position is conserved. In addition, this alteration is predicted to be tolerated by in silico analysis. Based on the available evidence, the clinical significance of this variant remains unclear.